The following is an entry in ClinVar:

ClinVar aggregate classification (germline): Uncertain significance (1 of 4 stars; one submission).

Conditions:
DiGeorge syndrome. Also called: Catch22; THIRD AND FOURTH PHARYNGEAL POUCH SYNDROME. Identifiers: Orphanet 567, MedGen C0012236, MONDO:0008564, OMIM 188400.

gnomAD v4.1: 1 of 1,054,522 alleles (0.000095%); highest among the groups gnomAD compares: Non-Finnish European, 0.00012%; no homozygotes.

Submission:

Labcorp Genetics (formerly Invitae), Labcorp
Classification: Uncertain significance for DiGeorge syndrome. Last evaluated: 2022-09-27. Review status: criteria provided, single submitter. Criteria: Invitae Variant Classification Sherloc (09022015). Collection method: clinical testing. Allele origin: germline.
Comment: This sequence change falls in intron 2 of the TBX1 gene. It does not directly change the encoded amino acid sequence of the TBX1 protein. This variant is not present in population databases (gnomAD no frequency). This variant has not been reported in the literature in individuals affected with TBX1-related conditions. Algorithms developed to predict the effect of sequence changes on RNA splicing suggest that this variant may create or strengthen a splice site. In summary, the available evidence is currently insufficient to determine the role of this variant in disease. Therefore, it has been classified as a Variant of Uncertain Significance.

NM_001379200.1(TBX1):c.42G>T (p.Ser14=)

Gene: TBX1 (T-box transcription factor 1; plus strand). Cytogenetic location: 22q11.21.
Variant type: single nucleotide variant.
Coding change: c.42G>T on transcript NM_001379200.1 (MANE Select); coding-DNA position 42, G replaced by T.
Protein change: p.Ser14=; no amino-acid change (serine 14 retained).
Molecular consequence: synonymous variant. On other transcripts: intron variant (3).
Genome position (GRCh38, 1-based): chr22:19,760,885, G>T. VCF-style: chr22-19760885-G-T. GRCh37 (hg19) VCF-style: chr22-19748408-G-T.
Other names: c.35-20G>T (NM_005992.1, NM_080646.2, NM_080647.1).
Identifiers: ClinVar variation 1944327 (VCV001944327.5), dbSNP rs1569018029, ClinGen allele CA2577646949.